The following is an entry in ClinVar:

NM_000587.4(C7):c.1986C>T (p.Gly662=)

Gene: C7 (complement C7; plus strand). Cytogenetic location: 5p13.1.
Variant type: single nucleotide variant.
Coding change: c.1986C>T on transcript NM_000587.4 (MANE Select); coding-DNA position 1986, C replaced by T.
Protein change: p.Gly662=; no amino-acid change (glycine 662 retained).
Molecular consequence: synonymous variant.
Genome position (GRCh38, 1-based): chr5:40,972,506, C>T. VCF-style: chr5-40972506-C-T. GRCh37 (hg19) VCF-style: chr5-40972608-C-T.
Other names: c.1986C>T (NM_000587.3).
Identifiers: ClinVar variation 1386785 (VCV001386785.9), dbSNP rs201234241, ClinGen allele CA3250165.

ClinVar aggregate classification (germline): Likely benign. Review status: criteria provided, multiple submitters, no conflicts (2 of 4 stars). 2 submissions from 2 submitters: Likely benign (2). Last evaluated 2025-02-17.

Conditions:
C7-related disorder. Also called: C7-related condition.

Allele frequency attached by ClinVar (database versions not stated): gnomAD exomes 0.00003 and 0.00005; gnomAD 0.00004 and 0.00005; TOPMed 0.00004; ExAC 0.00006; 1000 Genomes Project 30x 0.00016; 1000 Genomes Project 0.00020.
gnomAD v4.1: 66 of 1,613,820 alleles (0.0041%); highest among the groups gnomAD compares: Middle Eastern, 0.049%; no homozygotes.

Submissions (2):

Labcorp Genetics (formerly Invitae), Labcorp
Classification: Likely benign. Last evaluated: 2025-02-17. Review status: criteria provided, single submitter. Criteria: Invitae Variant Classification Sherloc (09022015). Collection method: clinical testing. Allele origin: germline.

PreventionGenetics, part of Exact Sciences
Classification: Likely benign for C7-related condition. Last evaluated: 2024-12-03. Review status: criteria provided, single submitter. Criteria: ACMG Guidelines, 2015. Collection method: clinical testing. Allele origin: germline.
Comment: This variant is classified as likely benign based on ACMG/AMP sequence variant interpretation guidelines (Richards et al. 2015 PMID: 25741868, with internal and published modifications).